The following is an entry in ClinVar:

ClinVar aggregate classification (germline): Uncertain significance. Review status: criteria provided, multiple submitters, no conflicts (2 of 4 stars). 4 submissions from 4 submitters: Uncertain significance (4). Last evaluated 2024-06-04.

Conditions:
Rienhoff syndrome. Also called: LOEYS-DIETZ SYNDROME 5. Identifiers: MedGen C3810012, MONDO:0014262, OMIM 615582.
Arrhythmogenic right ventricular dysplasia 1. Identifiers: Orphanet 3403, MedGen C1862511, MONDO:0007152, OMIM 107970.

Allele frequency attached by ClinVar (database versions not stated): gnomAD exomes below 0.00001; TOPMed 0.00001; gnomAD 0.00003 and 0.00004.
gnomAD v4.1: 9 of 1,614,060 alleles (0.00056%); highest among the groups gnomAD compares: African/African-American, 0.008%; no homozygotes.

Submissions (4):

Women's Health and Genetics/Laboratory Corporation of America, LabCorp
Classification: Uncertain significance. Last evaluated: 2024-06-04. Review status: criteria provided, single submitter. Criteria: LabCorp Variant Classification Summary - May 2015. Collection method: clinical testing. Allele origin: germline.

GeneDx
Classification: Uncertain significance. Last evaluated: 2023-11-21. Review status: criteria provided, single submitter. Criteria: GeneDx Variant Classification Process June 2021. Collection method: clinical testing. Allele origin: germline. Affected: yes.
Comment: Not observed at significant frequency in large population cohorts (gnomAD); In silico analysis supports that this missense variant has a deleterious effect on protein structure/function; Has not been previously published as pathogenic or benign to our knowledge

Fulgent Genetics
Classification: Uncertain significance for Arrhythmogenic right ventricular dysplasia 1; Rienhoff syndrome. Last evaluated: 2021-08-27. Review status: criteria provided, single submitter. Criteria: ACMG Guidelines, 2015. Collection method: clinical testing. Allele origin: unknown.

Labcorp Genetics (formerly Invitae), Labcorp
Classification: Uncertain significance for Rienhoff syndrome. Last evaluated: 2019-02-08. Review status: criteria provided, single submitter. Criteria: Invitae Variant Classification Sherloc (09022015). Collection method: clinical testing. Allele origin: germline.
Comment: This variant is not present in population databases (ExAC no frequency). This sequence change replaces proline with serine at codon 284 of the TGFB3 protein (p.Pro284Ser). The proline residue is highly conserved and there is a moderate physicochemical difference between proline and serine. This variant has not been reported in the literature in individuals with TGFB3-related conditions. Algorithms developed to predict the effect of missense changes on protein structure and function are either unavailable or do not agree on the potential impact of this missense change (SIFT: "Deleterious"; PolyPhen-2: "Probably Damaging"; Align-GVGD: "Class C0"). In summary, the available evidence is currently insufficient to determine the role of this variant in disease. Therefore, it has been classified as a Variant of Uncertain Significance.

NM_003239.5(TGFB3):c.850C>T (p.Pro284Ser)

Gene: TGFB3 (transforming growth factor beta 3; minus strand). Cytogenetic location: 14q24.3.
Variant type: single nucleotide variant.
Coding change: c.850C>T on transcript NM_003239.5 (MANE Select); coding-DNA position 850, C replaced by T.
Protein change: p.Pro284Ser; replaces proline 284 with serine.
Molecular consequence: missense variant.
Genome position (GRCh38, 1-based): chr14:75,963,392, G>A on the plus strand (C>T on the coding strand, the complement: TGFB3 is on the minus strand). VCF-style: chr14-75963392-G-A. GRCh37 (hg19) VCF-style: chr14-76429735-G-A.
Other names: c.850C>T, p.Pro284Ser (NM_001329938.2, NM_001329939.2); c.850C>T (NM_003239.2); short protein forms P284S.
Identifiers: ClinVar variation 850777 (VCV000850777.13), dbSNP rs1018415204, ClinGen allele CA263703169.
Genomic context (GRCh38, chr14:75,963,392, plus strand): 5'-TGTCCAAAGCCCGCTTCTTCCTCTGACCCCCCTGGCCCGGGTTGTCGAGCCGGTGTGGGG[G>A]AATCATCATGAGGATTAGATGAGGGTTGTGGTGATCCTTCTGCTTCTTGAGGCGCCCCAG-3'
Protein context (NP_003230.1, residues 274-294): HNPHLILMMI[Pro284Ser]PHRLDNPGQG